The following is an entry in ClinVar:

NM_007050.6(PTPRT):c.4038G>A (p.Thr1346=)

Gene: PTPRT (protein tyrosine phosphatase receptor type T; minus strand). Cytogenetic location: 20q12.
Variant type: single nucleotide variant.
Coding change: c.4038G>A on transcript NM_007050.6 (MANE Select); coding-DNA position 4038, G replaced by A.
Protein change: p.Thr1346=; no amino-acid change (threonine 1346 retained).
Molecular consequence: synonymous variant.
Genome position (GRCh38, 1-based): chr20:42,084,780, C>T on the plus strand (G>A on the coding strand, the complement: PTPRT is on the minus strand). VCF-style: chr20-42084780-C-T. GRCh37 (hg19) VCF-style: chr20-40713420-C-T.
Other names: c.4095G>A, p.Thr1365= (NM_001394024.1, NM_133170.4); c.4062G>A, p.Thr1354= (NM_001394025.1).
Identifiers: ClinVar variation 3053373 (VCV003053373.2), dbSNP rs751405410, ClinGen allele CA9863665.

ClinVar aggregate classification (germline): Likely benign (0 of 4 stars; one submission).

Conditions:
PTPRT-related disorder. Also called: PTPRT-related condition.

Allele frequency attached by ClinVar (database versions not stated): gnomAD 0.00001; gnomAD exomes 0.00001; TOPMed 0.00001; ExAC 0.00003.
gnomAD v4.1: 18 of 1,555,688 alleles (0.0012%); highest among the groups gnomAD compares: East Asian, 0.0047%; no homozygotes.

Submission:

PreventionGenetics, part of Exact Sciences
Classification: Likely benign for PTPRT-related condition. Last evaluated: 2019-09-05. Review status: no assertion criteria provided. Collection method: clinical testing. Allele origin: germline.
Comment: This variant is classified as likely benign based on ACMG/AMP sequence variant interpretation guidelines (Richards et al. 2015 PMID: 25741868, with internal and published modifications).